The following is an entry in ClinVar:

NM_004409.5(DMPK):c.*224CTG[339]

Genes: DM1-AS (DM1 locus antisense RNA; plus strand), DMPK (DM1 protein kinase; minus strand), LOC107075317 (origin of replication in DMPK trinucleotide repeat region; plus strand), LOC109461477 (dystrophia myotonica protein kinase repeat instability region; plus strand). Cytogenetic location: 19q13.32.
Variant type: Microsatellite.
Coding change: c.*224CTG[339] on transcript NM_004409.5 (MANE Select); 339 copies in a row of the 3-base unit CTG starting at c.*224.
Molecular consequence: 3 prime UTR variant.
Genome position: GRCh38, VCF-style position (the base before the change): chr19:45,770,204. GRCh37 (hg19), VCF-style position (the base before the change): chr19:46,273,462.
Other names: DM1 CTG repeat expansion; c.*222_*224TGC[339] (NM_001081563.3); c.*224CTG[339] (NM_001288764.2, NM_001424165.1, NM_001424169.1 and 1 more transcripts); c.*217CTG[339] (NM_001288765.2, NM_001424162.1, NM_001424163.1 and 2 more transcripts); c.*369CTG[339] (NM_001288766.2, NM_001424164.1, NM_001424168.1).
Identifiers: ClinVar variation 187960 (VCV000187960.1), ClinGen allele CA915951766.

ClinVar aggregate classification (germline): Pathogenic (0 of 4 stars; one submission).

Conditions:
Steinert myotonic dystrophy syndrome (DM1). Also called: STEINERT DISEASE; Myotonic dystrophy type 1; Dystrophia myotonica type 1; Steinert myotonic dystrophy; Steinert's disease. Identifiers: Orphanet 273, MedGen C3250443, MONDO:0008056, OMIM 160900.

Submission:

Institute of Molecular, Cell and Systems Biology, University of Glasgow
Classification: Pathogenic for Steinert myotonic dystrophy syndrome. Review status: no assertion criteria provided. Criteria: research. Collection method: research. Allele origin: germline. Inheritance: Autosomal dominant inheritance. Affected: yes. Observed: 1 heterozygote.
Comment: DMPK CTG repeat expansions greater than approximately 45-50 repeats are assumed to be pathogenic

This record is based on data published in PubMed 25052313, which reports only ClinVar accessions SCV000120188 and SCV000120189. The complete data set includes SCV000207445 - SCV000207579.

Literature cited by the submitters: PubMed 1346923; PubMed 1546326; PubMed 25052313.